The following is an entry in ClinVar:

NM_021813.4(BACH2):c.1283G>A (p.Arg428Gln)

Gene: BACH2 (BACH transcriptional regulator 2; minus strand). Cytogenetic location: 6q15.
Variant type: single nucleotide variant.
Coding change: c.1283G>A on transcript NM_021813.4 (MANE Select); coding-DNA position 1283, G replaced by A.
Protein change: p.Arg428Gln; replaces arginine 428 with glutamine.
Molecular consequence: missense variant.
Genome position (GRCh38, 1-based): chr6:89,950,823, C>T on the plus strand (G>A on the coding strand, the complement: BACH2 is on the minus strand). VCF-style: chr6-89950823-C-T. GRCh37 (hg19) VCF-style: chr6-90660542-C-T.
Other names: c.1283G>A, p.Arg428Gln (NM_001170794.2); short protein forms R428Q.
Identifiers: ClinVar variation 3623082 (VCV003623082.2).

ClinVar aggregate classification (germline): Uncertain significance (1 of 4 stars; one submission).

gnomAD v4.1: 12 of 1,613,952 alleles (0.00074%); highest among the groups gnomAD compares: African/African-American, 0.0013%; no homozygotes.

Submission:

Labcorp Genetics (formerly Invitae), Labcorp
Classification: Uncertain significance. Last evaluated: 2024-06-08. Review status: criteria provided, single submitter. Criteria: Invitae Variant Classification Sherloc (09022015). Collection method: clinical testing. Allele origin: germline.
Comment: This sequence change replaces arginine, which is basic and polar, with glutamine, which is neutral and polar, at codon 428 of the BACH2 protein (p.Arg428Gln). This variant is present in population databases (rs768854192, gnomAD 0.007%). This variant has not been reported in the literature in individuals affected with BACH2-related conditions. Advanced modeling of protein sequence and biophysical properties (such as structural, functional, and spatial information, amino acid conservation, physicochemical variation, residue mobility, and thermodynamic stability) performed at Invitae indicates that this missense variant is expected to disrupt BACH2 protein function with a positive predictive value of 80%. In summary, the available evidence is currently insufficient to determine the role of this variant in disease. Therefore, it has been classified as a Variant of Uncertain Significance.